The following is an entry in ClinVar:

ClinVar aggregate classification (germline): Pathogenic (1 of 4 stars; one submission).

Submission:

Labcorp Genetics (formerly Invitae), Labcorp
Classification: Pathogenic. Last evaluated: 2023-11-18. Review status: criteria provided, single submitter. Criteria: Invitae Variant Classification Sherloc (09022015). Collection method: clinical testing. Allele origin: germline.
Comment: This sequence change creates a premature translational stop signal (p.Cys1030*) in the NEXMIF gene. It is expected to result in an absent or disrupted protein product. Loss-of-function variants in NEXMIF are known to be pathogenic (PMID: 23615299). This variant is not present in population databases (gnomAD no frequency). This variant has not been reported in the literature in individuals affected with NEXMIF-related conditions. For these reasons, this variant has been classified as Pathogenic.

Literature cited by the submitters: PubMed 23615299.

NM_001008537.3(NEXMIF):c.3090C>A (p.Cys1030Ter)

Gene: NEXMIF (neurite extension and migration factor; minus strand). Cytogenetic location: Xq13.3.
Variant type: single nucleotide variant.
Coding change: c.3090C>A on transcript NM_001008537.3 (MANE Select); coding-DNA position 3090, C replaced by A.
Protein change: p.Cys1030Ter; replaces cysteine 1030 with a stop codon.
Molecular consequence: nonsense.
Genome position (GRCh38, 1-based): chrX:74,741,467, G>T on the plus strand (C>A on the coding strand, the complement: NEXMIF is on the minus strand). VCF-style: chrX-74741467-G-T. GRCh37 (hg19) VCF-style: chrX-73961302-G-T.
Other names: short protein forms C1030*.
Identifiers: ClinVar variation 2697130 (VCV002697130.3), dbSNP rs2519912843, ClinGen allele CA413666736.